The following is an entry in ClinVar:

NM_152594.3(SPRED1):c.*1724A>C

Gene: SPRED1 (sprouty related EVH1 domain containing 1; plus strand). Cytogenetic location: 15q14.
Variant type: single nucleotide variant.
Coding change: c.*1724A>C on transcript NM_152594.3 (MANE Select); 1724 bases downstream of the stop codon, A replaced by C.
Molecular consequence: 3 prime UTR variant.
Genome position (GRCh38, 1-based): chr15:38,353,388, A>C. VCF-style: chr15-38353388-A-C. GRCh37 (hg19) VCF-style: chr15-38645589-A-C.
Identifiers: ClinVar variation 315754 (VCV000315754.6), dbSNP rs1554527, ClinGen allele CA10645803.
Genomic context (GRCh38, chr15:38,353,388, plus strand): 5'-TCTGTAAAATACTTTTTTTAAGAAAGCATTTATATTTATATGACAGCTTGAACTGACAAC[A>C]TTGTGTATATAGATCATCTTGAAGTATTATTTCACATTGAAAAGAAGAAAATATATTGAT-3'

ClinVar aggregate classification (germline): Benign. Review status: criteria provided, multiple submitters, no conflicts (2 of 4 stars). 2 submissions from 2 submitters: Benign (2). Last evaluated 2018-01-13.

Conditions:
Legius syndrome. Identifiers: Orphanet 137605, MedGen C1969623, MONDO:0012669, OMIM 611431. Disease mechanism: loss of function.

Allele frequency attached by ClinVar (database versions not stated): gnomAD exomes 0.05399; gnomAD 0.08749 and 0.09012; TOPMed 0.09715; 1000 Genomes Project 30x 0.10868; 1000 Genomes Project 0.11002.
gnomAD v4.1: 13,875 of 152,528 alleles (9.1%); highest among the groups gnomAD compares: East Asian, 21%; 758 homozygotes.

Submissions (2):

Illumina Laboratory Services, Illumina
Classification: Benign for Legius syndrome. Last evaluated: 2018-01-13. Review status: criteria provided, single submitter. Criteria: ICSL Variant Classification Criteria 13 December 2019. Collection method: clinical testing. Allele origin: germline.
Comment: This variant was observed in the ICSL laboratory as part of a predisposition screen in an ostensibly healthy population. It had not been previously curated by ICSL or reported in the Human Gene Mutation Database (HGMD: prior to June 1st, 2018), and was therefore a candidate for classification through an automated scoring system. Utilizing variant allele frequency, disease prevalence and penetrance estimates, and inheritance mode, an automated score was calculated to assess if this variant is too frequent to cause the disease. Based on the score and internal cut-off values, a variant classified as benign is not then subjected to further curation. The score for this variant resulted in a classification of benign for this disease.

Breakthrough Genomics
Classification: Benign. Review status: criteria provided, single submitter. Criteria: ACMG Guidelines, 2015. Collection method: not provided. Allele origin: germline. Inheritance: Autosomal dominant inheritance. Affected: yes.